The following is an entry in ClinVar:

ClinVar aggregate classification (germline): Uncertain significance (1 of 4 stars; one submission).

Conditions:
PAX6-related disorder. Also called: PAX6-related disorders; PAX6-related condition.

Submission:

PreventionGenetics, part of Exact Sciences
Classification: Uncertain significance for PAX6-related condition. Last evaluated: 2026-03-27. Review status: criteria provided, single submitter. Criteria: ACMG Guidelines, 2015. Collection method: clinical testing. Allele origin: germline.
Comment: The PAX6 c.26A>T variant is predicted to result in the amino acid substitution p.Asn9Ile. This variant has been reported as being associated with corectopia with nystagmus and intact irides with some iris hypoplasia (Hever et al. 2006. PubMed ID: 16712695; Chauhan et al. 2018. PubMed ID: 29780932). This variant has not been reported in a large population database (gnomAD), indicating this variant is rare. At this time, the clinical significance of this variant is uncertain due to the absence of conclusive functional and genetic evidence.

NM_001368894.2(PAX6):c.26A>T (p.Asn9Ile)

Gene: PAX6 (paired box 6; minus strand). Cytogenetic location: 11p13.
Variant type: single nucleotide variant.
Coding change: c.26A>T on transcript NM_001368894.2 (MANE Select); coding-DNA position 26, A replaced by T.
Protein change: p.Asn9Ile; replaces asparagine 9 with isoleucine.
Molecular consequence: missense variant. On other transcripts: 5 prime UTR variant (12), non-coding transcript variant (2), intron variant (2).
Genome position (GRCh38, 1-based): chr11:31,802,819, T>A on the plus strand (A>T on the coding strand, the complement: PAX6 is on the minus strand). VCF-style: chr11-31802819-T-A. GRCh37 (hg19) VCF-style: chr11-31824367-T-A.
Other names: c.26A>T, p.Asn9Ile (NM_000280.6, NM_001127612.3, NM_001258462.3 and 30 more transcripts); c.-756A>T (NM_001310160.2, NM_001368905.2); c.-425A>T (NM_001310161.3, NM_001368900.2, NM_001368903.2 and 2 more transcripts); c.-383A>T (NM_001368899.2, NM_001368901.2, NM_001368906.2 and 1 more transcripts); c.-714A>T (NM_001368902.2); c.269A>T, p.Asn90Ile (NM_001368910.2); c.29A>T, p.Asn10Ile (NM_001368911.2); c.-267-1043A>T (NM_001368909.2, NM_001368904.2); short protein forms N90I, N9I, N10I.
Identifiers: ClinVar variation 4992004 (VCV004992004.1).